The following is an entry in ClinVar:

NM_000059.4(BRCA2):c.6144_6145insA (p.Val2049fs)

Gene: BRCA2 (BRCA2 DNA repair associated; plus strand). Cytogenetic location: 13q13.1.
Variant type: Insertion.
Coding change: c.6144_6145insA on transcript NM_000059.4 (MANE Select); coding-DNA positions 6144 to 6145, A inserted.
Protein change: p.Val2049fs; shifts the reading frame from valine 2049.
Molecular consequence: frameshift variant.
Genome position: GRCh38 VCF-style: chr13-32340499-T-TA. GRCh37 (hg19) VCF-style: chr13-32914636-T-TA.
Other names: short protein forms V2049fs.
Identifiers: ClinVar variation 548425 (VCV000548425.1), dbSNP rs1555284562, ClinGen allele CA658823695.

ClinVar aggregate classification (germline): Pathogenic (3 of 4 stars; one submission).

Conditions:
Breast-ovarian cancer, familial, susceptibility to, 2 (BROVCA2). Also called: BRCA2 Hereditary Breast and Ovarian Cancer. Identifiers: Orphanet 145, MedGen C2675520, MONDO:0012933, OMIM 612555. Disease mechanism: loss of function.

Submission:

Evidence-based Network for the Interpretation of Germline Mutant Alleles (ENIGMA)
Classification: Pathogenic for Breast-ovarian cancer, familial, susceptibility to, 2. Last evaluated: 2017-12-15. Review status: reviewed by expert panel. Criteria: ENIGMA BRCA1/2 Classification Criteria (2017-06-29). Collection method: curation. Allele origin: germline. Study: ENIGMA.
Comment: Variant allele predicted to encode a truncated non-functional protein.